The following is an entry in ClinVar:

NC_000004.11:g.(?_157999177)_(157999318_?)dup

Gene: GLRB (glycine receptor beta; plus strand). Cytogenetic location: 4q32.1.
Variant type: Duplication.
Identifiers: ClinVar variation 2423408 (VCV002423408.4).

ClinVar aggregate classification (germline): Uncertain significance (1 of 4 stars; one submission).

Conditions:
Hyperekplexia 2 (HKPX2). Identifiers: Orphanet 3197, MedGen C3553291, MONDO:0013828, OMIM 614619.

Submission:

Labcorp Genetics (formerly Invitae), Labcorp
Classification: Uncertain significance for Hyperekplexia 2. Last evaluated: 2022-01-15. Review status: criteria provided, single submitter. Criteria: Invitae Variant Classification Sherloc (09022015). Collection method: clinical testing. Allele origin: germline.
Comment: In summary, the available evidence is currently insufficient to determine the role of this variant in disease. Therefore, it has been classified as a Variant of Uncertain Significance. This variant has not been reported in the literature in individuals affected with GLRB-related conditions. This variant results in a copy number gain of the genomic region encompassing exon(s) 2 of the GLRB gene. This region includes the initiator codon of the gene. This copy number gain extends beyond the assayed region for this gene and therefore may encompass additional genes. As the precise location of this event is unknown, it may be in tandem or it may be located elsewhere in the genome.